The following is an entry in ClinVar:

NM_206937.2(LIG4):c.839A>G (p.Gln280Arg)

Gene: LIG4 (DNA ligase 4; minus strand). Cytogenetic location: 13q33.3.
Variant type: single nucleotide variant.
Coding change: c.839A>G on transcript NM_206937.2 (MANE Select); coding-DNA position 839, A replaced by G.
Protein change: p.Gln280Arg; replaces glutamine 280 with arginine.
Molecular consequence: missense variant.
Genome position (GRCh38, 1-based): chr13:108,210,430, T>C on the plus strand (A>G on the coding strand, the complement: LIG4 is on the minus strand). VCF-style: chr13-108210430-T-C. GRCh37 (hg19) VCF-style: chr13-108862778-T-C.
Other names: c.839A>G, p.Gln280Arg (NM_001098268.2, NM_001352598.2, NM_001352599.2 and 6 more transcripts); c.638A>G, p.Gln213Arg (NM_001330595.2); c.875A>G, p.Gln292Arg (NM_001352604.2); short protein forms Q213R, Q292R, Q280R.
Identifiers: ClinVar variation 2736055 (VCV002736055.3), dbSNP rs2501614620, ClinGen allele CA388619805.
Genomic context (GRCh38, chr13:108,210,430, plus strand): 5'-TCAGTGTAGTTATATCCATTTCGAGAGAAGTATTTATATACATCTCCATCTTTGTGCATT[T>C]GCATACGTTCACCATCTAGCTTGGTTTCTATGTAGAAACTCTGATGTTTCATATCCTTCT-3'
Protein context (NP_996820.1, residues 270-290): IETKLDGERM[Gln280Arg]MHKDGDVYKY

ClinVar aggregate classification (germline): Pathogenic (1 of 4 stars; one submission).

Conditions:
DNA ligase IV deficiency. Identifiers: Orphanet 99812, MedGen C1847827, MONDO:0011686, OMIM 606593.

Submission:

Labcorp Genetics (formerly Invitae), Labcorp
Classification: Pathogenic for DNA ligase IV deficiency. Last evaluated: 2022-10-23. Review status: criteria provided, single submitter. Criteria: Invitae Variant Classification Sherloc (09022015). Collection method: clinical testing. Allele origin: germline.
Comment: For these reasons, this variant has been classified as Pathogenic. Advanced modeling of protein sequence and biophysical properties (such as structural, functional, and spatial information, amino acid conservation, physicochemical variation, residue mobility, and thermodynamic stability) performed at Invitae indicates that this missense variant is expected to disrupt LIG4 protein function. This sequence change replaces glutamine, which is neutral and polar, with arginine, which is basic and polar, at codon 280 of the LIG4 protein (p.Gln280Arg). This variant is not present in population databases (gnomAD no frequency). This missense change has been observed in individual(s) with severe combined immunodeficiency (PMID: 16358361). In at least one individual the data is consistent with being in trans (on the opposite chromosome) from a pathogenic variant. It has also been observed to segregate with disease in related individuals.

Literature cited by the submitters: PubMed 16358361.